The following is an entry in ClinVar:

NM_004656.4(BAP1):c.1685T>A (p.Leu562Gln)

Gene: BAP1 (BRCA1 associated deubiquitinase 1; minus strand). Cytogenetic location: 3p21.1.
Variant type: single nucleotide variant.
Coding change: c.1685T>A on transcript NM_004656.4 (MANE Select); coding-DNA position 1685, T replaced by A.
Protein change: p.Leu562Gln; replaces leucine 562 with glutamine.
Molecular consequence: missense variant.
Genome position (GRCh38, 1-based): chr3:52,403,460, A>T on the plus strand (T>A on the coding strand, the complement: BAP1 is on the minus strand). VCF-style: chr3-52403460-A-T. GRCh37 (hg19) VCF-style: chr3-52437476-A-T.
Other names: c.1631T>A, p.Leu544Gln (NM_001410772.1); short protein forms L562Q, L544Q.
Identifiers: ClinVar variation 3477493 (VCV003477493.1).

ClinVar aggregate classification (germline): Uncertain significance (1 of 4 stars; one submission).

Conditions:
Hereditary cancer-predisposing syndrome. Also called: Tumor predisposition; Neoplastic Syndromes, Hereditary; Hereditary neoplastic syndrome; Hereditary Cancer Syndrome. Identifiers: Orphanet 140162, MedGen C0027672, MeSH D009386, MONDO:0015356.

Submission:

Ambry Genetics
Classification: Uncertain significance for Hereditary cancer-predisposing syndrome. Last evaluated: 2024-08-30. Review status: criteria provided, single submitter. Criteria: Ambry Variant Classification Scheme 2023. Collection method: clinical testing. Allele origin: germline.
Comment: The p.L562Q variant (also known as c.1685T>A), located in coding exon 13 of the BAP1 gene, results from a T to A substitution at nucleotide position 1685. The leucine at codon 562 is replaced by glutamine, an amino acid with dissimilar properties. This amino acid position is conserved. In addition, this alteration is predicted to be deleterious by in silico analysis. Based on the available evidence, the clinical significance of this variant remains unclear.